The following is an entry in ClinVar:

NM_001080421.3(UNC13A):c.5062A>G (p.Lys1688Glu)

Gene: UNC13A (unc-13 homolog A; minus strand). Cytogenetic location: 19p13.11.
Variant type: single nucleotide variant.
Coding change: c.5062A>G on transcript NM_001080421.3 (MANE Select); coding-DNA position 5062, A replaced by G.
Protein change: p.Lys1688Glu; replaces lysine 1688 with glutamic acid.
Molecular consequence: missense variant.
Genome position (GRCh38, 1-based): chr19:17,606,104, T>C on the plus strand (A>G on the coding strand, the complement: UNC13A is on the minus strand). VCF-style: chr19-17606104-T-C. GRCh37 (hg19) VCF-style: chr19-17716913-T-C.
Other names: c.5050A>G, p.Lys1684Glu (NM_001387021.1); c.5047A>G, p.Lys1683Glu (NM_001387022.1); c.4981A>G, p.Lys1661Glu (NM_001387023.1); short protein forms K1661E, K1683E, K1684E, K1688E.
Identifiers: ClinVar variation 2629260 (VCV002629260.1), dbSNP rs2512938205, ClinGen allele CA404729786.

ClinVar aggregate classification (germline): Uncertain significance (1 of 4 stars; one submission).

Conditions:
UNC13A-related disorder. Also called: UNC13A-related condition.

Submission:

PreventionGenetics, part of Exact Sciences
Classification: Uncertain significance for UNC13A-related condition. Last evaluated: 2023-04-27. Review status: criteria provided, single submitter. Criteria: ACMG Guidelines, 2015. Collection method: clinical testing. Allele origin: germline.
Comment: The UNC13A c.5062A>G variant is predicted to result in the amino acid substitution p.Lys1688Glu. To our knowledge, this variant has not been reported in the literature or in a large population database, indicating this variant is rare. At this time, the clinical significance of this variant is uncertain due to the absence of conclusive functional and genetic evidence.